The following is an entry in ClinVar:

ClinVar aggregate classification (germline): Uncertain significance (1 of 4 stars; one submission).

Conditions:
Snijders Blok-Campeau syndrome. Also called: INTELLECTUAL DEVELOPMENTAL DISORDER WITH MACROCEPHALY, SPEECH DELAY, AND DYSMORPHIC FACIES. Identifiers: Orphanet 599082, MedGen C4748701, MONDO:0032600, OMIM 618205.

gnomAD v4.1: 4 of 1,613,056 alleles (0.00025%); highest among the groups gnomAD compares: Non-Finnish European, 0.00034%; no homozygotes.

Submission:

Laboratorio de Genetica e Diagnostico Molecular, Hospital Israelita Albert Einstein
Classification: Uncertain significance for Snijders Blok-Campeau syndrome. Last evaluated: 2023-10-27. Review status: criteria provided, single submitter. Criteria: ACMG Guidelines, 2015. Collection method: clinical testing. Allele origin: germline. Affected: yes.
Comment: ACMG classification criteria: PM2 supporting, PP2 supporting, BP4 supporting

NM_001005273.3(CHD3):c.5084A>G (p.Asn1695Ser)

Gene: CHD3 (chromodomain helicase DNA binding protein 3; plus strand). Cytogenetic location: 17p13.1.
Variant type: single nucleotide variant.
Coding change: c.5084A>G on transcript NM_001005273.3 (MANE Select); coding-DNA position 5084, A replaced by G.
Protein change: p.Asn1695Ser; replaces asparagine 1695 with serine.
Molecular consequence: missense variant.
Genome position (GRCh38, 1-based): chr17:7,907,951, A>G. VCF-style: chr17-7907951-A-G. GRCh37 (hg19) VCF-style: chr17-7811269-A-G.
Other names: c.5261A>G, p.Asn1754Ser (NM_001005271.3); c.4982A>G, p.Asn1661Ser (NM_005852.4); short protein forms N1661S, N1695S, N1754S.
Identifiers: ClinVar variation 3902070 (VCV003902070.1).